The following is an entry in ClinVar:

NM_001036.6(RYR3):c.6698G>A (p.Arg2233Gln)

Gene: RYR3 (ryanodine receptor 3; plus strand). Cytogenetic location: 15q14.
Variant type: single nucleotide variant.
Coding change: c.6698G>A on transcript NM_001036.6 (MANE Select); coding-DNA position 6698, G replaced by A.
Protein change: p.Arg2233Gln; replaces arginine 2233 with glutamine.
Molecular consequence: missense variant.
Genome position (GRCh38, 1-based): chr15:33,722,793, G>A. VCF-style: chr15-33722793-G-A. GRCh37 (hg19) VCF-style: chr15-34014994-G-A.
Other names: c.6698G>A, p.Arg2233Gln (NM_001243996.4); short protein forms R2233Q.
Identifiers: ClinVar variation 461938 (VCV000461938.14), dbSNP rs199648816, ClinGen allele CA7459649.

ClinVar aggregate classification (germline): Conflicting classifications of pathogenicity. Review status: criteria provided, conflicting classifications (1 of 4 stars). 3 submissions from 3 submitters: Uncertain significance (2); Likely benign (1). Last evaluated 2025-04-12.

Conditions:
Congenital myopathy 20 (CMYO20). Identifiers: MedGen C5830393, MONDO:0957215, OMIM 620310.
Epileptic encephalopathy. Identifiers: MedGen C0543888, HP:0200134.

Allele frequency attached by ClinVar (database versions not stated): 1000 Genomes Project 30x 0.00031; 1000 Genomes Project 0.00040; gnomAD exomes 0.00073 and 0.00166; ExAC 0.00084; TOPMed 0.00099; gnomAD 0.00102 and 0.00104; ESP Exome Variant Server 0.00131.
gnomAD v4.1: 2,621 of 1,613,240 alleles (0.16%); highest among the groups gnomAD compares: Non-Finnish European, 0.2%; 5 homozygotes.

Submissions (3):

Labcorp Genetics (formerly Invitae), Labcorp
Classification: Likely benign for Epileptic encephalopathy. Last evaluated: 2025-04-12. Review status: criteria provided, single submitter. Criteria: Invitae Variant Classification Sherloc (09022015). Collection method: clinical testing. Allele origin: germline.

Kariminejad - Najmabadi Pathology & Genetics Center
Classification: Uncertain significance for Congenital myopathy 20. Last evaluated: 2024-01-13. Review status: criteria provided, single submitter. Criteria: ACMG Guidelines, 2015. Collection method: clinical testing. Allele origin: germline. Inheritance: Autosomal recessive inheritance. Affected: yes.
Comment: PP3(Moderate),PM2

Center for Genomics, Ann and Robert H. Lurie Children's Hospital of Chicago
Classification: Uncertain significance. Last evaluated: 2021-03-30. Review status: criteria provided, single submitter. Criteria: ACMG Guidelines, 2015. Collection method: clinical testing. Allele origin: germline.
Comment: RYR3 NM_001036.4 exon 44 p.Arg2233Gln (c.6698G>A): This variant has not been reported in the literature but is present in 0.1% (102/64580) of European alleles in the Genome Aggregation Database. This variant is present in ClinVar (Variation ID:461938). Evolutionary conservation suggests that this variant may impact the protein; computational predictive tools for this variant are unclear. Of note, splice prediction tools suggest that this variant may affect splicing through creation of a novel splice site. However, further studies are needed to understand its impact. In summary, data on this variant is insufficient for disease classification. Therefore, the clinical significance of this variant is uncertain.